The following is an entry in ClinVar:

ClinVar aggregate classification (germline): Likely benign. Review status: criteria provided, multiple submitters, no conflicts (2 of 4 stars). 6 submissions from 6 submitters: Likely benign (6). Last evaluated 2025-07-27.

Conditions:
Familial adenomatous polyposis 2. Also called: COLORECTAL ADENOMATOUS POLYPOSIS, AUTOSOMAL RECESSIVE; ADENOMAS, MULTIPLE COLORECTAL, AUTOSOMAL RECESSIVE; MUTYH-associated polyposis; MUTYH Polyposis; MYH-associated polyposis; FAP type 2. Identifiers: Orphanet 220460, Orphanet 247798, MedGen C3272841, MONDO:0012041, OMIM 608456.
Hereditary cancer-predisposing syndrome. Also called: Neoplastic Syndromes, Hereditary; Hereditary Cancer Syndrome; Tumor predisposition; Hereditary neoplastic syndrome. Identifiers: Orphanet 140162, MedGen C0027672, MeSH D009386, MONDO:0015356.

Submissions (6):

Labcorp Genetics (formerly Invitae), Labcorp
Classification: Likely benign for Familial adenomatous polyposis 2. Last evaluated: 2025-07-27. Review status: criteria provided, single submitter. Criteria: Invitae Variant Classification Sherloc (09022015). Collection method: clinical testing. Allele origin: germline.

Center for Genomic Medicine, Rigshospitalet, Copenhagen University Hospital
Classification: Likely benign. Last evaluated: 2025-03-04. Review status: criteria provided, single submitter. Criteria: ACMG Guidelines, 2015. Collection method: clinical testing. Allele origin: germline.

Blueprint Genetics
Classification: Likely benign. Last evaluated: 2024-09-20. Review status: criteria provided, single submitter. Criteria: ACMG Guidelines, 2015. Collection method: clinical testing. Allele origin: germline.

All of Us Research Program, National Institutes of Health
Classification: Likely benign for Familial adenomatous polyposis 2. Last evaluated: 2024-01-11. Review status: criteria provided, single submitter. Criteria: ACMG Guidelines, 2015. Collection method: clinical testing. Allele origin: germline. Inheritance: Autosomal recessive inheritance. Observed: 3 variant alleles, 3 heterozygotes.
Comment: This study involves interpretation of variants in research participants for the purpose of population health screening. Participant phenotype was not available at the time of variant classification. Additional details can be found in publication PMID: 35346344, PMCID: PMC8962531

Color Diagnostics, LLC DBA Color Health
Classification: Likely benign for Hereditary cancer-predisposing syndrome. Last evaluated: 2022-03-02. Review status: criteria provided, single submitter. Criteria: ACMG Guidelines, 2015. Collection method: clinical testing. Allele origin: germline.

Ambry Genetics
Classification: Likely benign for Hereditary cancer-predisposing syndrome. Last evaluated: 2014-11-26. Review status: criteria provided, single submitter. Criteria: Ambry Variant Classification Scheme 2023. Collection method: clinical testing. Allele origin: germline.

NM_001048174.2(MUTYH):c.1131G>T (p.Pro377=)

Gene: MUTYH (mutY DNA glycosylase; minus strand). Cytogenetic location: 1p34.1.
Variant type: single nucleotide variant.
Coding change: c.1131G>T on transcript NM_001048174.2 (MANE Select); coding-DNA position 1131, G replaced by T.
Protein change: p.Pro377=; no amino-acid change (proline 377 retained).
Molecular consequence: synonymous variant. On other transcripts: non-coding transcript variant (2).
Genome position (GRCh38, 1-based): chr1:45,331,528, C>A on the plus strand (G>T on the coding strand, the complement: MUTYH is on the minus strand). VCF-style: chr1-45331528-C-A. GRCh37 (hg19) VCF-style: chr1-45797200-C-A.
Other names: c.1131G>T, p.Pro377= (NM_001048171.2, NM_001048173.2, NM_001293195.2); c.1134G>T, p.Pro378= (NM_001048172.2); c.1215G>T, p.Pro405= (NM_001128425.2); c.1176G>T, p.Pro392= (NM_001293190.2); c.1164G>T, p.Pro388= (NM_001293191.2); c.855G>T, p.Pro285= (NM_001293192.2, NM_001293196.2); c.786G>T, p.Pro262= (NM_001350650.2, NM_001350651.2); c.1206G>T, p.Pro402= (NM_012222.3).
Identifiers: ClinVar variation 232703 (VCV000232703.20), dbSNP rs876659935, ClinGen allele CA10577709.